The following is an entry in ClinVar:

ClinVar aggregate classification (germline): Conflicting classifications of pathogenicity. Review status: criteria provided, conflicting classifications (1 of 4 stars). 5 submissions from 5 submitters: Uncertain significance (1); Likely benign (2). 2 of the submissions do not count toward it. Last evaluated 2026-01-16.

Conditions:
ACADM-related disorder. Also called: ACADM-related condition.
Medium-chain acyl-coenzyme A dehydrogenase deficiency (ACADMD). Also called: MCADD; ACADM DEFICIENCY; CARNITINE DEFICIENCY SECONDARY TO MEDIUM-CHAIN ACYL-CoA DEHYDROGENASE DEFICIENCY; MCADH DEFICIENCY; Medium chain acyl-CoA dehydrogenase deficiency; MCAD Deficiency. Identifiers: Orphanet 42, MedGen C0220710, MONDO:0008721, OMIM 201450.

Allele frequency attached by ClinVar (database versions not stated): gnomAD 0.00006 and 0.00009; TOPMed 0.00006; ExAC 0.00015; gnomAD exomes 0.00016; 1000 Genomes Project 30x 0.00031.
gnomAD v4.1: 157 of 1,611,516 alleles (0.0097%); highest among the groups gnomAD compares: South Asian, 0.089%; 2 homozygotes.

Submissions (5):

Labcorp Genetics (formerly Invitae), Labcorp
Classification: Likely benign for Medium-chain acyl-coenzyme A dehydrogenase deficiency. Last evaluated: 2026-01-16. Review status: criteria provided, single submitter. Criteria: Invitae Variant Classification Sherloc (09022015). Collection method: clinical testing. Allele origin: germline.

Illumina Laboratory Services, Illumina
Classification: Uncertain significance for Medium-chain acyl-coenzyme A dehydrogenase deficiency. Last evaluated: 2018-01-12. Review status: criteria provided, single submitter. Criteria: ICSL Variant Classification Criteria 13 December 2019. Collection method: clinical testing. Allele origin: germline.

GeneDx
Classification: Likely benign. Last evaluated: 2017-01-03. Review status: criteria provided, single submitter. Criteria: GeneDx Variant Classification (06012015). Collection method: clinical testing. Allele origin: germline. Affected: yes.
Comment: This variant is considered likely benign or benign based on one or more of the following criteria: it is a conservative change, it occurs at a poorly conserved position in the protein, it is predicted to be benign by multiple in silico algorithms, and/or has population frequency not consistent with disease.

PreventionGenetics, part of Exact Sciences
Classification: Likely benign for ACADM-related condition. Last evaluated: 2024-07-31. Review status: no assertion criteria provided. Collection method: clinical testing. Allele origin: germline. Not counted in ClinVar's aggregate classification.
Comment: This variant is classified as likely benign based on ACMG/AMP sequence variant interpretation guidelines (Richards et al. 2015 PMID: 25741868, with internal and published modifications).

Natera, Inc.
Classification: Likely benign for Medium-chain acyl-coenzyme a dehydrogenase deficiency. Last evaluated: 2020-09-16. Review status: no assertion criteria provided. Collection method: clinical testing. Allele origin: germline. Not counted in ClinVar's aggregate classification.

NM_000016.6(ACADM):c.582C>T (p.Asn194=)

Gene: ACADM (acyl-CoA dehydrogenase medium chain; plus strand). Cytogenetic location: 1p31.1.
Variant type: single nucleotide variant.
Coding change: c.582C>T on transcript NM_000016.6 (MANE Select); coding-DNA position 582, C replaced by T.
Protein change: p.Asn194=; no amino-acid change (asparagine 194 retained).
Molecular consequence: synonymous variant.
Genome position (GRCh38, 1-based): chr1:75,740,093, C>T. VCF-style: chr1-75740093-C-T. GRCh37 (hg19) VCF-style: chr1-76205778-C-T.
Other names: c.594C>T, p.Asn198= (NM_001127328.3); c.474C>T, p.Asn158= (NM_001286042.2); c.681C>T, p.Asn227= (NM_001286043.2); c.15C>T, p.Asn5= (NM_001286044.2).
Identifiers: ClinVar variation 386599 (VCV000386599.17), dbSNP rs778535261, ClinGen allele CA913138.
Genomic context (GRCh38, chr1:75,740,093, plus strand): 5'-CAAAGCAGAAAAGAAAGGAGATGAGTATATTATTAATGGTCAGAAGATGTGGATAACCAA[C>T]GGAGGAAAAGCTAATTGGTATGTTGTTCAAAACATCTTTGTATATTTTTTCTTAATTGTT-3'
Protein context (NP_000007.1, residues 184-204): IINGQKMWIT[Asn194=]GGKANWYFLL